The following is an entry in ClinVar:

ClinVar aggregate classification (germline): Pathogenic (1 of 4 stars; one submission).

Submission:

Athena Diagnostics
Classification: Pathogenic. Last evaluated: 2023-11-07. Review status: criteria provided, single submitter. Criteria: Athena Diagnostics Criteria. Collection method: clinical testing. Allele origin: unknown.
Comment: This variant has been identified in at least one individual with clinical features associated with this gene. This variant has not been reported in large, multi-ethnic general populations. Experimental evidence has shown this variant results in abnormal RNA splicing resulting in exon 7 exclusion, and is therefore expected to severely affect protein function (PMID: 10205265, 10339583). In some published literature, this variant is referred to as c.922+6T>G.

Literature cited by the submitters: PubMed 10205265; PubMed 32918834; PubMed 31903607; PubMed 10339583.

NM_000344.4(SMN1):c.*3+6T>G

Gene: SMN1 (survival of motor neuron 1, telomeric). Cytogenetic location: 5q13.2.
Variant type: single nucleotide variant.
Coding change: c.*3+6T>G on transcript NM_000344.4 (MANE Select); 6 bases into the intron after 3 bases downstream of the stop codon, T replaced by G.
Molecular consequence: intron variant.
Genome position (GRCh38, 1-based): chr5:70,952,000, T>G. VCF-style: chr5-70952000-T-G. GRCh37 (hg19) VCF-style: chr5-70247827-T-G.
Other names: c.835-439T>G (NM_001297715.1); c.*3+6T>G (NM_022874.2).
Identifiers: ClinVar variation 3571588 (VCV003571588.1).